The following is an entry in ClinVar:

NM_006393.3(NEBL):c.214C>A (p.Pro72Thr)

Gene: NEBL (nebulette; minus strand). Cytogenetic location: 10p12.31.
Variant type: single nucleotide variant.
Coding change: c.214C>A on transcript NM_006393.3 (MANE Select); coding-DNA position 214, C replaced by A.
Protein change: p.Pro72Thr; replaces proline 72 with threonine.
Molecular consequence: missense variant. On other transcripts: intron variant (9).
Genome position (GRCh38, 1-based): chr10:20,889,889, G>T on the plus strand (C>A on the coding strand, the complement: NEBL is on the minus strand). VCF-style: chr10-20889889-G-T. GRCh37 (hg19) VCF-style: chr10-21178818-G-T.
Other names: c.249+71783C>A (NM_001377326.1, NM_001377327.1, NM_001377328.1); c.357+71783C>A (NM_213569.2, NM_001173484.2, NM_001377322.1); c.300+71783C>A (NM_001377324.1); c.291+71783C>A (NM_001377325.1); c.309+71783C>A (NM_001377323.1); short protein forms P72T.
Identifiers: ClinVar variation 240647 (VCV000240647.16), dbSNP rs150000482, ClinGen allele CA5433329.

ClinVar aggregate classification (germline): Uncertain significance. Review status: criteria provided, multiple submitters, no conflicts (2 of 4 stars). 4 submissions from 4 submitters: Uncertain significance (4). Last evaluated 2025-03-03.

Conditions:
Primary dilated cardiomyopathy (DCM). Also called: Dilated Cardiomyopathy. Identifiers: Orphanet 217604, MedGen C0007193, MeSH D002311, MONDO:0005021, HP:0001644. Inheritance: Various modes of inheritance.

Allele frequency attached by ClinVar (database versions not stated): gnomAD exomes 0.00005; ExAC 0.00006; gnomAD 0.00011 and 0.00012; TOPMed 0.00011; ESP Exome Variant Server 0.00015.
gnomAD v4.1: 265 of 1,612,892 alleles (0.016%); highest among the groups gnomAD compares: Non-Finnish European, 0.02%; 1 homozygote.

Submissions (4):

Labcorp Genetics (formerly Invitae), Labcorp
Classification: Uncertain significance for Primary dilated cardiomyopathy. Last evaluated: 2025-03-03. Review status: criteria provided, single submitter. Criteria: Invitae Variant Classification Sherloc (09022015). Collection method: clinical testing. Allele origin: germline.
Comment: This sequence change replaces proline, which is neutral and non-polar, with threonine, which is neutral and polar, at codon 72 of the NEBL protein (p.Pro72Thr). This variant is present in population databases (rs150000482, gnomAD 0.01%). This variant has not been reported in the literature in individuals affected with NEBL-related conditions. ClinVar contains an entry for this variant (Variation ID: 240647). An algorithm developed to predict the effect of missense changes on protein structure and function (PolyPhen-2) suggests that this variant is likely to be disruptive. In summary, the available evidence is currently insufficient to determine the role of this variant in disease. Therefore, it has been classified as a Variant of Uncertain Significance.

Blueprint Genetics
Classification: Uncertain significance. Last evaluated: 2024-11-01. Review status: criteria provided, single submitter. Criteria: ACMG Guidelines, 2015. Collection method: clinical testing. Allele origin: germline.

Ambry Genetics
Classification: Uncertain significance. Last evaluated: 2024-10-21. Review status: criteria provided, single submitter. Criteria: Ambry Variant Classification Scheme 2023. Collection method: clinical testing. Allele origin: germline.
Comment: The p.P72T variant (also known as c.214C>A), located in coding exon 3 of the NEBL gene, results from a C to A substitution at nucleotide position 214. The proline at codon 72 is replaced by threonine, an amino acid with highly similar properties. This amino acid position is conserved. In addition, the in silico prediction for this alteration is inconclusive. Since supporting evidence is limited at this time, the clinical significance of this alteration remains unclear.

GeneDx
Classification: Uncertain significance. Last evaluated: 2022-08-26. Review status: criteria provided, single submitter. Criteria: GeneDx Variant Classification Process June 2021. Collection method: clinical testing. Allele origin: germline. Affected: yes.
Comment: In silico analysis supports that this missense variant has a deleterious effect on protein structure/function; Has not been previously published as pathogenic or benign to our knowledge; Variants in candidate genes are classified as variants of uncertain significance in accordance with ACMG guidelines (Richards et al., 2015)